The following is an entry in ClinVar:

NM_001040105.2(MUC17):c.11403C>G (p.Thr3801=)

Gene: MUC17 (mucin 17, cell surface associated; plus strand). Cytogenetic location: 7q22.1.
Variant type: single nucleotide variant.
Coding change: c.11403C>G on transcript NM_001040105.2 (MANE Select); coding-DNA position 11403, C replaced by G.
Protein change: p.Thr3801=; no amino-acid change (threonine 3801 retained).
Molecular consequence: synonymous variant. On other transcripts: non-coding transcript variant (1).
Genome position (GRCh38, 1-based): chr7:101,042,819, C>G. VCF-style: chr7-101042819-C-G. GRCh37 (hg19) VCF-style: chr7-100686100-C-G.
Identifiers: ClinVar variation 2657850 (VCV002657850.24), dbSNP rs749109556, ClinGen allele CA4404304.

ClinVar aggregate classification (germline): Likely benign (1 of 4 stars; one submission).

Allele frequency attached by ClinVar (database versions not stated): gnomAD exomes 0.00003; TOPMed 0.00003; ExAC 0.00007; gnomAD 0.00007.
gnomAD v4.1: 48 of 1,614,002 alleles (0.003%); highest among the groups gnomAD compares: African/African-American, 0.0053%; no homozygotes.

Submission:

CeGaT Center for Human Genetics Tuebingen
Classification: Likely benign. Last evaluated: 2022-07-01. Review status: criteria provided, single submitter. Criteria: CeGaT Center For Human Genetics Tuebingen Variant Classification Criteria Version 2. Collection method: clinical testing. Allele origin: germline. Affected: yes. Observed: 1 variant allele.
Comment: MUC17: BP4, BP7